The following is an entry in ClinVar:

ClinVar aggregate classification (germline): Uncertain significance (1 of 4 stars; one submission).

Allele frequency attached by ClinVar (database versions not stated): gnomAD exomes below 0.00001.
gnomAD v4.1: 1 of 1,614,194 alleles (0.000062%); highest among the groups gnomAD compares: African/African-American, 0.0013%; no homozygotes.

Submission:

Labcorp Genetics (formerly Invitae), Labcorp
Classification: Uncertain significance. Last evaluated: 2023-11-06. Review status: criteria provided, single submitter. Criteria: Invitae Variant Classification Sherloc (09022015). Collection method: clinical testing. Allele origin: germline.
Comment: This sequence change replaces tyrosine, which is neutral and polar, with cysteine, which is neutral and slightly polar, at codon 1121 of the ADAMTS18 protein (p.Tyr1121Cys). This variant is present in population databases (no rsID available, gnomAD 0.007%). This variant has not been reported in the literature in individuals affected with ADAMTS18-related conditions. ClinVar contains an entry for this variant (Variation ID: 1409071). An algorithm developed to predict the effect of missense changes on protein structure and function (PolyPhen-2) suggests that this variant is likely to be disruptive. In summary, the available evidence is currently insufficient to determine the role of this variant in disease. Therefore, it has been classified as a Variant of Uncertain Significance.

NM_199355.4(ADAMTS18):c.3362A>G (p.Tyr1121Cys)

Gene: ADAMTS18 (ADAM metallopeptidase with thrombospondin type 1 motif 18; minus strand). Cytogenetic location: 16q23.1.
Variant type: single nucleotide variant.
Coding change: c.3362A>G on transcript NM_199355.4 (MANE Select); coding-DNA position 3362, A replaced by G.
Protein change: p.Tyr1121Cys; replaces tyrosine 1121 with cysteine.
Molecular consequence: missense variant.
Genome position (GRCh38, 1-based): chr16:77,291,306, T>C on the plus strand (A>G on the coding strand, the complement: ADAMTS18 is on the minus strand). VCF-style: chr16-77291306-T-C. GRCh37 (hg19) VCF-style: chr16-77325203-T-C.
Other names: c.2846A>G, p.Tyr949Cys (NM_001326358.2); short protein forms Y1121C, Y949C.
Identifiers: ClinVar variation 1409071 (VCV001409071.8), dbSNP rs1269874541, ClinGen allele CA396831726.
Genomic context (GRCh38, chr16:77,291,306, plus strand): 5'-CTCAATCGGCCTGTACCCACCTGCTGCCACGGCAATGAATACCATCCAGCTACCATGTTG[T>C]ACACTGGATGGGCTGGGCAAGCCCGTCGGTTGCAGGTCTCTTCCAAGTCCAGATTTGGTT-3'
Protein context (NP_955387.1, residues 1111-1131): NRRACPAHPV[Tyr1121Cys]NMVAGWYSLP